The following is an entry in ClinVar:

NM_000054.7(AVPR2):c.446G>A (p.Arg149His)

Gene: AVPR2 (arginine vasopressin receptor 2; plus strand). Cytogenetic location: Xq28.
Variant type: single nucleotide variant.
Coding change: c.446G>A on transcript NM_000054.7 (MANE Select); coding-DNA position 446, G replaced by A.
Protein change: p.Arg149His; replaces arginine 149 with histidine.
Molecular consequence: missense variant.
Genome position (GRCh38, 1-based): chrX:153,905,952, G>A. VCF-style: chrX-153905952-G-A. GRCh37 (hg19) VCF-style: chrX-153171406-G-A.
Other names: c.446G>A, p.Arg149His (NM_001146151.3); c.446G>A (NM_000054.6); short protein forms R149H.
Identifiers: ClinVar variation 1219450 (VCV001219450.4), dbSNP rs374561268, ClinGen allele CA10555006.
Genomic context (GRCh38, chrX:153,905,952, plus strand): 5'-TGATCCTGGCCATGACGCTGGACCGCCACCGTGCCATCTGCCGTCCCATGCTGGCGTACC[G>A]CCATGGAAGTGGGGCTCACTGGAACCGGCCGGTGCTAGTGGCTTGGGCCTTCTCGCTCCT-3'
Protein context (NP_000045.1, residues 139-159): RAICRPMLAY[Arg149His]HGSGAHWNRP

ClinVar aggregate classification (germline): Uncertain significance. Review status: criteria provided, multiple submitters, no conflicts (2 of 4 stars). 2 submissions from 2 submitters: Uncertain significance (2). Last evaluated 2024-03-06.

Conditions:
Diabetes insipidus, nephrogenic, X-linked. Also called: Nephrogenic Diabetes Insipidus, Type I. Identifiers: Orphanet 223, MedGen C1563705, MONDO:0010581, OMIM 304800.
Nephrogenic syndrome of inappropriate antidiuresis (NSIAD). Identifiers: Orphanet 93606, MedGen C1845202, MONDO:0010356, OMIM 300539.

Allele frequency attached by ClinVar (database versions not stated): gnomAD exomes below 0.00001; gnomAD 0.00002; TOPMed 0.00002; ESP Exome Variant Server 0.00009.

Submissions (2):

Fulgent Genetics
Classification: Uncertain significance for Nephrogenic syndrome of inappropriate antidiuresis; Diabetes insipidus, nephrogenic, X-linked. Last evaluated: 2024-03-06. Review status: criteria provided, single submitter. Criteria: ACMG Guidelines, 2015. Collection method: clinical testing. Allele origin: germline.

GeneDx
Classification: Uncertain significance. Last evaluated: 2020-05-20. Review status: criteria provided, single submitter. Criteria: GeneDx Variant Classification Process June 2021. Collection method: clinical testing. Allele origin: germline. Affected: yes.
Comment: Not observed in large population cohorts (Lek et al., 2016); In silico analysis supports that this missense variant has a deleterious effect on protein structure/function; Has not been previously published as pathogenic or benign to our knowledge